The following is an entry in ClinVar:

ClinVar aggregate classification (germline): Uncertain significance (1 of 4 stars; one submission).

Conditions:
ADCY3-related disorder. Also called: ADCY3-related condition.

Submission:

PreventionGenetics, part of Exact Sciences
Classification: Uncertain significance for ADCY3-related condition. Last evaluated: 2026-03-10. Review status: criteria provided, single submitter. Criteria: ACMG Guidelines, 2015. Collection method: clinical testing. Allele origin: germline.
Comment: The ADCY3 c.969C>A variant is not predicted to result in an amino acid change (p.=). This variant is predicted to alter splicing based on available splicing prediction programs (SpliceAI, Jaganathan et al. 2019. PubMed ID: 30661751). To our knowledge, this variant has not been reported in the literature or in a large population database (gnomAD), indicating this variant is rare. At this time, the clinical significance of this variant is uncertain due to the absence of conclusive functional and genetic evidence.

NM_004036.5(ADCY3):c.969C>A (p.Ala323=)

Gene: ADCY3 (adenylate cyclase 3; minus strand). Cytogenetic location: 2p23.3.
Variant type: single nucleotide variant.
Coding change: c.969C>A on transcript NM_004036.5 (MANE Select); coding-DNA position 969, C replaced by A.
Protein change: p.Ala323=; no amino-acid change (alanine 323 retained).
Molecular consequence: synonymous variant.
Genome position (GRCh38, 1-based): chr2:24,841,655, G>T on the plus strand (C>A on the coding strand, the complement: ADCY3 is on the minus strand). VCF-style: chr2-24841655-G-T. GRCh37 (hg19) VCF-style: chr2-25064524-G-T.
Other names: c.969C>A, p.Ala323= (NM_001320613.2, NM_001377128.1, NM_001377129.1 and 2 more transcripts); c.246C>A, p.Ala82= (NM_001377131.1).
Identifiers: ClinVar variation 4994283 (VCV004994283.1).